The following is an entry in ClinVar:

ClinVar aggregate classification (germline): Uncertain significance (1 of 4 stars; one submission).

Allele frequency attached by ClinVar (database versions not stated): gnomAD exomes below 0.00001.
gnomAD v4.1: 2 of 1,614,222 alleles (0.00012%); highest among the groups gnomAD compares: Non-Finnish European, 0.00017%; no homozygotes.

Submission:

Labcorp Genetics (formerly Invitae), Labcorp
Classification: Uncertain significance. Last evaluated: 2024-11-18. Review status: criteria provided, single submitter. Criteria: Invitae Variant Classification Sherloc (09022015). Collection method: clinical testing. Allele origin: germline.
Comment: This sequence change replaces serine, which is neutral and polar, with asparagine, which is neutral and polar, at codon 311 of the DLL1 protein (p.Ser311Asn). This variant is not present in population databases (gnomAD no frequency). This variant has not been reported in the literature in individuals affected with DLL1-related conditions. ClinVar contains an entry for this variant (Variation ID: 2711878). An algorithm developed to predict the effect of missense changes on protein structure and function (PolyPhen-2) suggests that this variant is likely to be disruptive. In summary, the available evidence is currently insufficient to determine the role of this variant in disease. Therefore, it has been classified as a Variant of Uncertain Significance.

NM_005618.4(DLL1):c.932G>A (p.Ser311Asn)

Gene: DLL1 (delta like canonical Notch ligand 1; minus strand). Cytogenetic location: 6q27.
Variant type: single nucleotide variant.
Coding change: c.932G>A on transcript NM_005618.4 (MANE Select); coding-DNA position 932, G replaced by A.
Protein change: p.Ser311Asn; replaces serine 311 with asparagine.
Molecular consequence: missense variant.
Genome position (GRCh38, 1-based): chr6:170,285,354, C>T on the plus strand (G>A on the coding strand, the complement: DLL1 is on the minus strand). VCF-style: chr6-170285354-C-T. GRCh37 (hg19) VCF-style: chr6-170594442-C-T.
Other names: short protein forms S311N.
Identifiers: ClinVar variation 2711878 (VCV002711878.3), dbSNP rs2483351676, ClinGen allele CA366508406.
Genomic context (GRCh38, chr6:170,285,354, plus strand): 5'-TCGTCAATCCCCAGCTCGCAGGTGGCACCTGTGTACCCAGGCCGGCAAGAGCAAGTGTAG[C>T]TCCCCTGGCCCGTGTTGGTGCAGGTGGCTCCATTCTTGCAGGGCTTATGGTGTGTGCAGT-3'
Protein context (NP_005609.3, residues 301-321): GATCTNTGQG[Ser311Asn]YTCSCRPGYT